The following is an entry in ClinVar:

ClinVar aggregate classification (germline): Uncertain significance (1 of 4 stars; one submission).

Conditions:
Neurofibromatosis, type 2 (SWNV). Also called: BILATERAL ACOUSTIC NEUROFIBROMATOSIS; SCHWANNOMATOSIS, VESTIBULAR; NF2-Related Schwannomatosis. Identifiers: Orphanet 637, MedGen C0027832, MONDO:0007039, OMIM 101000. Disease mechanism: loss of function.

gnomAD v4.1: 1 of 1,613,824 alleles (0.000062%); highest among the groups gnomAD compares: Middle Eastern, 0.016%; no homozygotes.

Submission:

Labcorp Genetics (formerly Invitae), Labcorp
Classification: Uncertain significance for Neurofibromatosis, type 2. Last evaluated: 2025-03-26. Review status: criteria provided, single submitter. Criteria: Invitae Variant Classification Sherloc (09022015). Collection method: clinical testing. Allele origin: germline.
Comment: This sequence change replaces leucine, which is neutral and non-polar, with methionine, which is neutral and non-polar, at codon 356 of the NF2 protein (p.Leu356Met). This variant is not present in population databases (gnomAD no frequency). This variant has not been reported in the literature in individuals affected with NF2-related conditions. ClinVar contains an entry for this variant (Variation ID: 1027336). Invitae Evidence Modeling of protein sequence and biophysical properties (such as structural, functional, and spatial information, amino acid conservation, physicochemical variation, residue mobility, and thermodynamic stability) indicates that this missense variant is not expected to disrupt NF2 protein function with a negative predictive value of 80%. In summary, the available evidence is currently insufficient to determine the role of this variant in disease. Therefore, it has been classified as a Variant of Uncertain Significance.

NM_000268.4(NF2):c.1066T>A (p.Leu356Met)

Gene: NF2 (NF2, moesin-ezrin-radixin like (MERLIN) tumor suppressor; plus strand). Cytogenetic location: 22q12.2.
Variant type: single nucleotide variant.
Coding change: c.1066T>A on transcript NM_000268.4 (MANE Select); coding-DNA position 1066, T replaced by A.
Protein change: p.Leu356Met; replaces leucine 356 with methionine.
Molecular consequence: missense variant. On other transcripts: non-coding transcript variant (1), intron variant (1).
Genome position (GRCh38, 1-based): chr22:29,671,892, T>A. VCF-style: chr22-29671892-T-A. GRCh37 (hg19) VCF-style: chr22-30067881-T-A.
Other names: c.1066T>A, p.Leu356Met (NM_016418.5, NM_181825.3, NM_181832.3); c.940T>A, p.Leu314Met (NM_181828.3); c.943T>A, p.Leu315Met (NM_181829.3); c.817T>A, p.Leu273Met (NM_181830.3, NM_181831.3); c.448-22860T>A (NM_181833.3); short protein forms L273M, L314M, L315M, L356M.
Identifiers: ClinVar variation 1027336 (VCV001027336.9), dbSNP rs1178334764, ClinGen allele CA411146975.